The following is an entry in ClinVar:

ClinVar aggregate classification (germline): Uncertain significance. Review status: criteria provided, multiple submitters, no conflicts (2 of 4 stars). 3 submissions from 3 submitters: Uncertain significance (3). Last evaluated 2025-07-31.

Conditions:
Hereditary cancer-predisposing syndrome. Also called: Tumor predisposition; Neoplastic Syndromes, Hereditary; Hereditary Cancer Syndrome; Hereditary neoplastic syndrome. Identifiers: Orphanet 140162, MedGen C0027672, MeSH D009386, MONDO:0015356.
Fanconi anemia complementation group O. Also called: RAD51C-Related Fanconi Anemia. Identifiers: Orphanet 84, MedGen C3150653, MONDO:0013248, OMIM 613390.

gnomAD v4.1: 1 of 1,611,030 alleles (0.000062%); highest among the groups gnomAD compares: Non-Finnish European, 0.000085%; no homozygotes.

Submissions (3):

Labcorp Genetics (formerly Invitae), Labcorp
Classification: Uncertain significance for Fanconi anemia complementation group O. Last evaluated: 2025-07-31. Review status: criteria provided, single submitter. Criteria: Invitae Variant Classification Sherloc (09022015). Collection method: clinical testing. Allele origin: germline.
Comment: This sequence change falls in intron 4 of the RAD51C gene. It does not directly change the encoded amino acid sequence of the RAD51C protein. It affects a nucleotide within the consensus splice site. This variant is not present in population databases (gnomAD no frequency). This variant has not been reported in the literature in individuals affected with RAD51C-related conditions. ClinVar contains an entry for this variant (Variation ID: 471450). Variants that disrupt the consensus splice site are a relatively common cause of aberrant splicing (PMID: 17576681, 9536098). Studies have shown that this variant is associated with inconclusive levels of altered splicing (internal data). In summary, the available evidence is currently insufficient to determine the role of this variant in disease. Therefore, it has been classified as a Variant of Uncertain Significance.

Ambry Genetics
Classification: Uncertain significance for Hereditary cancer-predisposing syndrome. Last evaluated: 2024-04-12. Review status: criteria provided, single submitter. Criteria: Ambry Variant Classification Scheme 2023. Collection method: clinical testing. Allele origin: germline.
Comment: The c.705+3A>T intronic variant results from an A to T substitution 3 nucleotides after coding exon 4 in the RAD51C gene. RNA studies have demonstrated that this alteration results in an incomplete splice defect; the clinical impact of this abnormal splicing is unknown at this time (Ambry internal data). This nucleotide position is highly conserved in available vertebrate species. In silico splice site analysis predicts that this alteration may weaken the native splice donor site. Based on the available evidence, the clinical significance of this variant remains unclear.

GeneDx
Classification: Uncertain significance. Last evaluated: 2020-02-18. Review status: criteria provided, single submitter. Criteria: GeneDx Variant Classification Process June 2021. Collection method: clinical testing. Allele origin: germline. Affected: yes.
Comment: Not observed in large population cohorts (Lek et al., 2016); Has not been previously published as pathogenic or benign to our knowledge; In-silico analysis, which includes splice predictors and evolutionary conservation, is inconclusive as to whether the variant alters gene splicing. In the absence of RNA/functional studies, the actual effect of this sequence change is unknown.

Literature cited by the submitters: PubMed 17576681 (cited by Labcorp Genetics (formerly Invitae), Labcorp); PubMed 9536098 (cited by Labcorp Genetics (formerly Invitae), Labcorp).

NM_058216.3(RAD51C):c.705+3A>T

Genes: RAD51C (RAD51 paralog C; plus strand), LOC129390903 (MPRA-validated peak2919 silencer; plus strand). Cytogenetic location: 17q22.
Variant type: single nucleotide variant.
Coding change: c.705+3A>T on transcript NM_058216.3 (MANE Select); 3 bases into the intron after coding-DNA position 705, A replaced by T.
Molecular consequence: intron variant.
Genome position (GRCh38, 1-based): chr17:58,703,332, A>T. VCF-style: chr17-58703332-A-T. GRCh37 (hg19) VCF-style: chr17-56780693-A-T.
Identifiers: ClinVar variation 471450 (VCV000471450.15), dbSNP rs878855179, ClinGen allele CA658658645.
Genomic context (GRCh38, chr17:58,703,332, plus strand): 5'-CACAGAGTTACTGGCACAAGTTTATCTTCTTCCAGATTTCCTTTCAGAACACTCAAAGGT[A>T]TGAGTCAGACTACTGAAATGTAACTAACCAAGTATTTTTTGAGGTGTTTGATAAGCATGA-3'